The following is an entry in ClinVar:

ClinVar aggregate classification (germline): Uncertain significance (1 of 4 stars; one submission).

Conditions:
Epilepsy, progressive myoclonic, 1B. Also called: PME. Identifiers: Orphanet 308, MedGen C2676254, MONDO:0012904, OMIM 612437.

Submission:

Labcorp Genetics (formerly Invitae), Labcorp
Classification: Uncertain significance for Epilepsy, progressive myoclonic, 1B. Last evaluated: 2022-08-01. Review status: criteria provided, single submitter. Criteria: Invitae Variant Classification Sherloc (09022015). Collection method: clinical testing. Allele origin: germline.
Comment: A copy number gain of the genomic region encompassing the full coding sequence of the PRICKLE1 gene has been identified. The boundaries of this event are unknown as they extend beyond the assayed region for this gene and therefore may encompass additional genes. As the precise location of this event is unknown, it may be in tandem or it may be located elsewhere in the genome. This variant has not been reported in the literature in individuals affected with PRICKLE1-related conditions. In summary, the available evidence is currently insufficient to determine the role of this variant in disease. Therefore, it has been classified as a Variant of Uncertain Significance.

NC_000012.11:g.(?_42853611)_(42866318_?)dup

Gene: PRICKLE1 (prickle planar cell polarity protein 1; minus strand). Cytogenetic location: 12q12.
Variant type: Duplication.
Identifiers: ClinVar variation 1444244 (VCV001444244.5).